The following is an entry in ClinVar:

ClinVar aggregate classification (germline): Uncertain significance (1 of 4 stars; one submission).

Conditions:
Marfan syndrome (MFS). Also called: Marfan syndrome, classic; Marfan syndrome type 1; Marfan's syndrome; MARFAN SYNDROME, TYPE I; FBN1-Related Marfan Syndrome. Identifiers: Orphanet 284963, Orphanet 558, MedGen C0024796, MONDO:0007947, OMIM 154700.
Familial thoracic aortic aneurysm and aortic dissection (TAAD). Also called: Thoracic aortic aneurysms and dissections. Identifiers: Orphanet 91387, MedGen C4707243, MONDO:0019625.

Submission:

Labcorp Genetics (formerly Invitae), Labcorp
Classification: Uncertain significance for Marfan syndrome; Familial thoracic aortic aneurysm and aortic dissection. Last evaluated: 2021-10-03. Review status: criteria provided, single submitter. Criteria: Invitae Variant Classification Sherloc (09022015). Collection method: clinical testing. Allele origin: germline.
Comment: This variant disrupts the p.Gly585 amino acid residue in FBN1. Other variant(s) that disrupt this residue have been determined to be pathogenic (PMID: 19802897; Invitae). This suggests that this residue is clinically significant, and that variants that disrupt this residue are likely to be disease-causing. Algorithms developed to predict the effect of missense changes on protein structure and function are either unavailable or do not agree on the potential impact of this missense change (SIFT: "Tolerated"; PolyPhen-2: "Probably Damaging"; Align-GVGD: "Class C0"). This missense change has been observed in individual(s) with clinical features of FBN1-related conditions (Invitae). This variant is not present in population databases (ExAC no frequency). This sequence change replaces glycine with alanine at codon 585 of the FBN1 protein (p.Gly585Ala). The glycine residue is highly conserved and there is a small physicochemical difference between glycine and alanine. In summary, the available evidence is currently insufficient to determine the role of this variant in disease. Therefore, it has been classified as a Variant of Uncertain Significance.

Literature cited by the submitters: PubMed 19802897.

NM_000138.5(FBN1):c.1754G>C (p.Gly585Ala)

Gene: FBN1 (fibrillin 1; minus strand). Cytogenetic location: 15q21.1.
Variant type: single nucleotide variant.
Coding change: c.1754G>C on transcript NM_000138.5 (MANE Select); coding-DNA position 1754, G replaced by C.
Protein change: p.Gly585Ala; replaces glycine 585 with alanine.
Molecular consequence: missense variant.
Genome position (GRCh38, 1-based): chr15:48,508,665, C>G on the plus strand (G>C on the coding strand, the complement: FBN1 is on the minus strand). VCF-style: chr15-48508665-C-G. GRCh37 (hg19) VCF-style: chr15-48800862-C-G.
Other names: short protein forms G585A.
Identifiers: ClinVar variation 406298 (VCV000406298.6), dbSNP rs1060501041, ClinGen allele CA16614530.